The following is an entry in ClinVar:

NM_017534.6(MYH2):c.5363T>C (p.Met1788Thr)

Genes: MYHAS (myosin heavy chain gene cluster antisense RNA; plus strand), MYH2 (myosin heavy chain 2; minus strand). Cytogenetic location: 17p13.1.
Variant type: single nucleotide variant.
Coding change: c.5363T>C on transcript NM_017534.6 (MANE Select); coding-DNA position 5363, T replaced by C.
Protein change: p.Met1788Thr; replaces methionine 1788 with threonine.
Molecular consequence: missense variant.
Genome position (GRCh38, 1-based): chr17:10,523,605, A>G on the plus strand (T>C on the coding strand, the complement: MYH2 is on the minus strand). VCF-style: chr17-10523605-A-G. GRCh37 (hg19) VCF-style: chr17-10426922-A-G.
Other names: c.5363T>C, p.Met1788Thr (NM_001100112.2); short protein forms M1788T.
Identifiers: ClinVar variation 1984022 (VCV001984022.4), dbSNP rs1203874843, ClinGen allele CA398116817.

ClinVar aggregate classification (germline): Uncertain significance (1 of 4 stars; one submission).

Conditions:
Myopathy, proximal, and ophthalmoplegia (CMYO6). Also called: MYOPATHY WITH CONGENITAL JOINT CONTRACTURES, OPHTHALMOPLEGIA, AND RIMMED VACUOLES; INCLUSION BODY MYOPATHY 3, AUTOSOMAL DOMINANT; CONGENITAL MYOPATHY 6 WITH OPHTHALMOPLEGIA. Identifiers: Orphanet 363677, Orphanet 79091, MedGen C1854106, MONDO:0011577, OMIM 605637.

Allele frequency attached by ClinVar (database versions not stated): gnomAD exomes below 0.00001.

Submission:

Labcorp Genetics (formerly Invitae), Labcorp
Classification: Uncertain significance for Myopathy, proximal, and ophthalmoplegia. Last evaluated: 2022-04-04. Review status: criteria provided, single submitter. Criteria: Invitae Variant Classification Sherloc (09022015). Collection method: clinical testing. Allele origin: germline.
Comment: This sequence change replaces methionine, which is neutral and non-polar, with threonine, which is neutral and polar, at codon 1788 of the MYH2 protein (p.Met1788Thr). This variant is present in population databases (no rsID available, gnomAD 0.006%). This variant has not been reported in the literature in individuals affected with MYH2-related conditions. Algorithms developed to predict the effect of missense changes on protein structure and function (SIFT, PolyPhen-2, Align-GVGD) all suggest that this variant is likely to be disruptive. In summary, the available evidence is currently insufficient to determine the role of this variant in disease. Therefore, it has been classified as a Variant of Uncertain Significance.